The following is an entry in ClinVar:

ClinVar aggregate classification (germline): Benign (0 of 4 stars; one submission).

Conditions:
RELT-related disorder. Also called: RELT-related condition.

Allele frequency attached by ClinVar (database versions not stated): 1000 Genomes Project 30x 0.08229; ExAC 0.02945; gnomAD exomes 0.01324; gnomAD 0.06895; TOPMed 0.07622; ESP Exome Variant Server 0.07870; 1000 Genomes Project 0.08207.
gnomAD v4.1: 30,309 of 1,613,642 alleles (1.9%); highest among the groups gnomAD compares: African/African-American, 23%; 2,169 homozygotes.

Submission:

PreventionGenetics, part of Exact Sciences
Classification: Benign for RELT-related condition. Last evaluated: 2024-03-13. Review status: no assertion criteria provided. Collection method: clinical testing. Allele origin: germline.
Comment: This variant is classified as benign based on ACMG/AMP sequence variant interpretation guidelines (Richards et al. 2015 PMID: 25741868, with internal and published modifications).

NM_152222.2(RELT):c.1101G>A (p.Val367=)

Gene: RELT (RELT TNF receptor; plus strand). Cytogenetic location: 11q13.4.
Variant type: single nucleotide variant.
Coding change: c.1101G>A on transcript NM_152222.2 (MANE Select); coding-DNA position 1101, G replaced by A.
Protein change: p.Val367=; no amino-acid change (valine 367 retained).
Molecular consequence: synonymous variant.
Genome position (GRCh38, 1-based): chr11:73,395,141, G>A. VCF-style: chr11-73395141-G-A. GRCh37 (hg19) VCF-style: chr11-73106186-G-A.
Other names: c.1125G>A, p.Val375= (NM_001425248.1); c.1098G>A, p.Val366= (NM_001425249.1); c.1101G>A, p.Val367= (NM_001425250.1, NM_032871.4); c.1053G>A, p.Val351= (NM_001425251.1); c.843G>A, p.Val281= (NM_001425252.1, NM_001425253.1).
Identifiers: ClinVar variation 3059063 (VCV003059063.2), dbSNP rs34304845, ClinGen allele CA6178883.